The following is an entry in ClinVar:

NM_000552.5(VWF):c.3797C>A (p.Pro1266Gln)

Gene: VWF (von Willebrand factor; minus strand). Cytogenetic location: 12p13.31.
Variant type: single nucleotide variant.
Coding change: c.3797C>A on transcript NM_000552.5 (MANE Select); coding-DNA position 3797, C replaced by A.
Protein change: p.Pro1266Gln; replaces proline 1266 with glutamine.
Molecular consequence: missense variant.
Genome position (GRCh38, 1-based): chr12:6,019,621, G>T on the plus strand (C>A on the coding strand, the complement: VWF is on the minus strand). VCF-style: chr12-6019621-G-T. GRCh37 (hg19) VCF-style: chr12-6128787-G-T.
Other names: NM_000552.5(VWF):c.3797C>A; p.Pro1266Gln; c.3797C>A (NM_000552.3); short protein forms P1266Q.
Identifiers: ClinVar variation 100279 (VCV000100279.67), dbSNP rs61749370, ClinGen allele CA228441.
Genomic context (GRCh38, chr12:6,019,621, plus strand): 5'-GAGGAGCCATCCAGCAGGAAGACCAGGTCCAGTAGCCTGCTGCAGTAGAAATCGTGCAAC[G>T]GCGGTTCCGAGATGTCCTCCACATACAGAGTGGTGGGGCTCACCGGGGCATCTGTGGGAG-3'
Protein context (NP_000543.3, residues 1256-1276): TLYVEDISEP[Pro1266Gln]LHDFYCSRLL

ClinVar aggregate classification (germline): Uncertain significance. Review status: reviewed by expert panel (3 of 4 stars). 21 submissions from 21 submitters: Uncertain significance (1). 20 of the submissions do not count toward it. Last evaluated 2025-05-06.

Conditions:
EBV-positive nodal T- and NK-cell lymphoma.
von Willebrand disease type 3 (VWD3). Also called: Type 3 Von Willebrand's disease; Type 3 VWD; Von Willebrand disease, severe form; V WD3; VON WILLEBRAND DISEASE, TYPE III. Identifiers: Orphanet 166096, MedGen C1264041, MONDO:0010191, OMIM 277480.
von Willebrand disease type 2 (VWD2). Also called: VON WILLEBRAND DISEASE, TYPE II; VWD, TYPE 2; VON WILLEBRAND DISEASE, TYPE 2A/IIE; VON WILLEBRAND DISEASE, TYPE 2CB. Identifiers: Orphanet 166081, Orphanet 903, MedGen C1264040, MONDO:0013304, OMIM 613554.
VWF-related disorder. Also called: VWF-related condition; VWF-related disorders.
von Willebrand disease type 1 (VWD1). Also called: VON WILLEBRAND DISEASE, TYPE I; VWD, TYPE 1. Identifiers: Orphanet 166078, Orphanet 903, MedGen C1264039, MONDO:0008668, OMIM 193400. Inheritance: autosomal recessive or autosomal dominant.
Hereditary von Willebrand disease. Identifiers: Orphanet 903, MedGen C5703318, MONDO:0019565. Inheritance: Autosomal recessive or Autosomal dominant.

Allele frequency attached by ClinVar (database versions not stated): 1000 Genomes Project 30x 0.00172; 1000 Genomes Project 0.00180.
gnomAD v4.1: 874 of 1,612,906 alleles (0.054%); highest among the groups gnomAD compares: South Asian, 0.39%; 3 homozygotes.

Submissions 1 to 4 of 21:

ClinGen von Willebrand Disease Variant Curation Expert Panel, ClinGen
Classification: Uncertain significance for von Willebrand disease type 2. Last evaluated: 2025-05-06. Review status: reviewed by expert panel. Criteria: ClinGen VWD 2A B M Rules. Collection method: curation. Allele origin: germline.
Comment: The NM_000552.5:c.3797C>A variant in VWF is a missense variant predicted to cause substitution of proline by glutamine at amino acid 1266. Population and in silico predictors were between the pathogenic and benign thresholds for the respective codes. At least 1 patient with this variant displayed excessive mucocutaneous bleeding as well as a laboratory phenotype of low VWF:RCo/VWF:Ag ratio and no loss of HMW multimers (described as non-selective loss and low intensity but high molecular weight bands are still present), which is specific for VWD type 2M (PP4, PMID 23179108). The majority of reported cases were asserted as VWD type 2M but there were also assertions for type 2B and type 1. No reported case in the literature had a combination of activity/antigen ratio <0.7, documented abnormal bleeding phenotype, and enhanced platelet binding. There is conflicting evidence of altered platelet binding phenotype evidenced by in vitro assays showing both enhanced GPIb and decreased GPIb binding (PMIDs 23179108, 30488424). In summary, this variant meets the criteria to be classified as a variant of uncertain significance for autosomal dominant VWD type 2 based on the ACMG/AMP criteria applied, as specified by the ClinGen VWD VCEP: PP4. (ClinGen von Willebrand Disease Expert Panel Specifications to the ACMG/AMP Variant Interpretation Guidelines for VWF Version 1.0.0; May 6th, 2025)

Victorian Clinical Genetics Services, Murdoch Childrens Research Institute
Classification: Uncertain significance for von Willebrand disease type 2. Last evaluated: 2026-05-15. Review status: criteria provided, single submitter. Criteria: ACMG Guidelines, 2015. Collection method: clinical testing. Allele origin: germline. Affected: no. Not counted in ClinVar's aggregate classification.
Comment: This variant is classified as VUS-3A. Evidence in support of pathogenic classification: Variant is present in gnomAD <0.01 (v4: 868 heterozygote(s), 3 homozygote(s)). Evidence in support of benign classification: Another missense variant(s) comparable to the one identified in this case has previous evidence for being BENIGN. p.(Pro1266Leu) has been classified as likely benign by the ClinGen von Willebrand Disease Variant Curation Expert Panel (ClinVar). Additional information: Variant is predicted to result in a missense amino acid change from Pro to Gln; This variant is heterozygous; This gene is associated with both recessive and dominant disease. VWD can be both dominantly and recessively inherited, and is categorised into six different types: 1 (MIM#193400), 2A, 2B, 2M, 2N (MIM#613554) and 3 (MIM#277480); Alternative amino acid change(s) at the same position are present in gnomAD (highest allele count: v4: 1073 heterozygote(s), 2 homozygote(s)); Previous evidence of pathogenicity for this variant is inconclusive. This variant has been classified as a VUS by the ClinGen von Willebrand Disease Variant Curation Expert Panel. However, in ClinVar it has mixed assertions and has been identified in multiple heterozygous individuals with type 2B VWD. It is common for these individuals to have additional variants in cis; however, these variants are often reported as VUS, likely benign and/or benign (LOVD, ClinVar, PMID: 18805962, 28971901, 30488424, 26986123, 28640903, 37168293); Functional evidence for this variant is inconclusive. Analysis of this variant, either in isolation or in conjunction with common variants found in cis, did not identify a significant decrease in protein binding (PMID: 30488424); Variant is located in the annotated D3-A1 junction of the VWA N2 domain (NCBI, PMID: 26986123); Missense variant with inconclusive in silico prediction and/or uninformative conservation; Dominant negative, gain of function and loss of function are known mechanisms of disease in this gene and are associated with von Willebrand disease (VWD) (OMIM, PMID: 30488424); The condition associated with this gene has incomplete penetrance (PMID: 19372260); Variants in this gene are known to have variable expressivity (PMID: 19372260).

Women's Health and Genetics/Laboratory Corporation of America, LabCorp
Classification: Uncertain significance. Last evaluated: 2026-03-05. Review status: criteria provided, single submitter. Criteria: LabCorp Variant Classification Summary - May 2015. Collection method: clinical testing. Allele origin: germline. Not counted in ClinVar's aggregate classification.
Comment: Variant summary: VWF c.3797C>A (p.Pro1266Gln) results in a non-conservative amino acid change in the encoded protein sequence. Algorithms developed to predict the effect of missense changes on protein structure and function are either unavailable or do not agree on the potential impact of this missense change. The variant allele was found at a frequency of 0.00028 in 249794 control chromosomes, predominantly at a frequency of 0.0013 within the South Asian subpopulation in the gnomAD database, including 2 homozygotes. This frequency is not significantly higher than estimated for disease-causing variants in VWF, allowing no conclusion about variant significance. c.3797C>A has been observed in individuals affected with Von Willebrand Disease as a component of gene conversion from the VWF pseudogene resulting in multiple alterations with normal levels of VWFGPIb-alpha/BC, normal platelet count before and after stress, normal platelet morphology, and a normal multimeric pattern (example, Federici_2009, Robertson_2011, Ahmad_2013, Casonato_2017, Alzahrani_2023). It has also been reported in at least one individual diagnosed with type 2M Von Willebrand disease, but without information such as family history or segregation data to support causality (Ramanan_2002). These reports do not provide unequivocal conclusions about association of the variant with Von Willebrand Disease. At least one publication reports experimental evidence evaluating an impact on protein function in isolation (example Ahmad_2018). These results showed no damaging effect of this variant as all analysed qualitative and quantitative parameters of rVWF were comparable to WT. The following publications have been ascertained in the context of this evaluation (PMID: 30488424, 23179108, 40765908, 37168293, 28640903, 18805962, 20371742, 40242192, 21711445, 34807970, 37872709). ClinVar contains an entry for this variant (Variation ID: 100279). Based on the evidence outlined above, the variant was classified as uncertain significance.

PreventionGenetics, part of Exact Sciences
Classification: Uncertain significance for VWF-related condition. Last evaluated: 2026-02-27. Review status: criteria provided, single submitter. Criteria: ACMG Guidelines, 2015. Collection method: clinical testing. Allele origin: germline. Not counted in ClinVar's aggregate classification.
Comment: The VWF c.3797C>A variant is predicted to result in the amino acid substitution p.Pro1266Gln. This variant, and a similar variant, p.Pro1266Leu, have been reported in patients with von Willebrand disease (VWD) type 2B (Holmberg et al. 1993. PubMed ID: 8486782; Federici et al. 2009. PubMed ID: 18805962). The p.Pro1266Gln variant has also been reported in three individuals with VWD type 2M, one of which had gum bleeding, VWF:RCo/VWF:Ag ratio below 0.7, and no indication of loss of high molecular weight multimers (Ahmad et al. 2013. PubMed ID: 23179108). The p.Pro1266Leu and p.Pro1266Gln substitutions are characterized by enhanced ristocetin-induced platelet aggregation (RIPA), low bleeding severity, normal VWF multimer formation, and no thrombocytopenia in most of the patients harboring one of these two variants (Holmberg et al. 1993. PubMed ID: 8486782; Federici et al. 2009. PubMed ID: 18805962). This variant is reported in 0.13% of alleles in individuals of South Asian descent in gnomAD. This variant is interpreted as uncertain by the ClinGen von Willebrand Disease Variant Curation Expert Panel in ClinVar (ClinVar ID: 100279). At this time, the clinical significance of this variant is uncertain due to the absence of conclusive functional and genetic evidence.